The following is an entry in ClinVar:

NM_000257.4(MYH7):c.1207C>G (p.Arg403Gly)

Gene: MYH7 (myosin heavy chain 7; minus strand). Cytogenetic location: 14q11.2.
Variant type: single nucleotide variant.
Coding change: c.1207C>G on transcript NM_000257.4 (MANE Select); coding-DNA position 1207, C replaced by G.
Protein change: p.Arg403Gly; replaces arginine 403 with glycine.
Molecular consequence: missense variant.
Genome position (GRCh38, 1-based): chr14:23,429,279, G>C on the plus strand (C>G on the coding strand, the complement: MYH7 is on the minus strand). VCF-style: chr14-23429279-G-C. GRCh37 (hg19) VCF-style: chr14-23898488-G-C.
Other names: short protein forms R403G.
Identifiers: ClinVar variation 505562 (VCV000505562.4), dbSNP rs3218714, ClinGen allele CA389051122.

ClinVar aggregate classification (germline): Likely pathogenic (1 of 4 stars; one submission).

Conditions:
Hypertrophic cardiomyopathy. Also called: HYPERTROPHIC MYOCARDIOPATHY. Identifiers: Orphanet 217569, MedGen C0007194, MeSH D002312, MONDO:0005045, HP:0001639.

Submission:

Laboratory for Molecular Medicine, Mass General Brigham Personalized Medicine
Classification: Likely pathogenic for Hypertrophic cardiomyopathy. Last evaluated: 2017-01-09. Review status: criteria provided, single submitter. Criteria: LMM Criteria. Collection method: clinical testing. Allele origin: germline. Observed: 2 variant alleles.
Comment: The p.Arg403Gly variant in MYH7 has not been previously reported in individuals with cardiomyopathy or in large population studies. Computational prediction too ls and conservation analysis suggest that the p.Arg403Gly variant may impact the protein, though this information is not predictive enough to determine pathogen icity. In addition, two other variants at this position, p.Arg403Trp and p.Arg40 3Gln, have been categorized as pathogenic by our laboratory, suggesting that cha nges at this position are not tolerated. Of note, this variant lies in the head region of the protein. Missense variants in this region have been reported and s tatistically indicated to be more likely to cause disease (Walsh 2016). In summ ary, although additional studies are required to fully establish its clinical si gnificance, the p.Arg403Gly variant is likely pathogenic.